The following is an entry in ClinVar:

ClinVar aggregate classification (germline): Conflicting classifications of pathogenicity. Review status: criteria provided, conflicting classifications (1 of 4 stars). 6 submissions from 6 submitters: Uncertain significance (1); Benign (1); Likely benign (3). 1 of the submissions does not count toward it. Last evaluated 2026-01-04.

Conditions:
LRP5-related disorder. Also called: LRP5-related condition.

Allele frequency attached by ClinVar (database versions not stated): gnomAD exomes 0.00010 and 0.00022; ExAC 0.00027; ESP Exome Variant Server 0.00085; gnomAD 0.00097; 1000 Genomes Project 0.00100; 1000 Genomes Project 30x 0.00109; TOPMed 0.00114.
gnomAD v4.1: 281 of 1,614,192 alleles (0.017%); highest among the groups gnomAD compares: African/African-American, 0.34%; no homozygotes.

Submissions (6):

Labcorp Genetics (formerly Invitae), Labcorp
Classification: Likely benign. Last evaluated: 2026-01-04. Review status: criteria provided, single submitter. Criteria: Invitae Variant Classification Sherloc (09022015). Collection method: clinical testing. Allele origin: germline.

Mayo Clinic Laboratories, Mayo Clinic
Classification: Likely benign. Last evaluated: 2025-06-26. Review status: criteria provided, single submitter. Criteria: ACMG Guidelines, 2015. Collection method: clinical testing. Allele origin: germline. Observed: 1 variant allele.
Comment: BS1, BP4

Women's Health and Genetics/Laboratory Corporation of America, LabCorp
Classification: Likely benign. Last evaluated: 2024-11-29. Review status: criteria provided, single submitter. Criteria: LabCorp Variant Classification Summary - May 2015. Collection method: clinical testing. Allele origin: germline.

Blueprint Genetics
Classification: Benign. Last evaluated: 2024-06-27. Review status: criteria provided, single submitter. Criteria: ACMG Guidelines, 2015. Collection method: clinical testing. Allele origin: germline.

Eurofins Ntd Llc (ga)
Classification: Uncertain significance. Last evaluated: 2016-03-07. Review status: criteria provided, single submitter. Criteria: EGL Classification Definitions 2015. Collection method: clinical testing. Allele origin: germline. Observed: 1 variant allele, 1 heterozygote.

PreventionGenetics, part of Exact Sciences
Classification: Likely benign for LRP5-related condition. Last evaluated: 2022-06-28. Review status: no assertion criteria provided. Collection method: clinical testing. Allele origin: germline. Not counted in ClinVar's aggregate classification.
Comment: This variant is classified as likely benign based on ACMG/AMP sequence variant interpretation guidelines (Richards et al. 2015 PMID: 25741868, with internal and published modifications).

NM_002335.4(LRP5):c.4195G>A (p.Val1399Ile)

Gene: LRP5 (LDL receptor related protein 5; plus strand). Cytogenetic location: 11q13.2.
Variant type: single nucleotide variant.
Coding change: c.4195G>A on transcript NM_002335.4 (MANE Select); coding-DNA position 4195, G replaced by A.
Protein change: p.Val1399Ile; replaces valine 1399 with isoleucine.
Molecular consequence: missense variant.
Genome position (GRCh38, 1-based): chr11:68,438,529, G>A. VCF-style: chr11-68438529-G-A. GRCh37 (hg19) VCF-style: chr11-68205997-G-A.
Other names: p.Val1399Ile; c.2452G>A, p.Val818Ile (NM_001291902.2); short protein forms V1399I, V818I.
Identifiers: ClinVar variation 286556 (VCV000286556.22), dbSNP rs113315676, ClinGen allele CA6150278.